The following is an entry in ClinVar:

ClinVar aggregate classification (germline): Uncertain significance (1 of 4 stars; one submission).

Conditions:
Intellectual disability, CASK-related, X-linked. Identifiers: MedGen CN043158.

gnomAD v4.1: 1 of 1,205,881 alleles (0.000083%); no homozygotes.

Submission:

Labcorp Genetics (formerly Invitae), Labcorp
Classification: Uncertain significance for Intellectual disability, CASK-related, X-linked. Last evaluated: 2023-05-31. Review status: criteria provided, single submitter. Criteria: Invitae Variant Classification Sherloc (09022015). Collection method: clinical testing. Allele origin: germline.
Comment: Advanced modeling of protein sequence and biophysical properties (such as structural, functional, and spatial information, amino acid conservation, physicochemical variation, residue mobility, and thermodynamic stability) has been performed at Invitae for this missense variant, however the output from this modeling did not meet the statistical confidence thresholds required to predict the impact of this variant on CASK protein function. In summary, the available evidence is currently insufficient to determine the role of this variant in disease. Therefore, it has been classified as a Variant of Uncertain Significance. ClinVar contains an entry for this variant (Variation ID: 1060095). This variant has not been reported in the literature in individuals affected with CASK-related conditions. This variant is not present in population databases (gnomAD no frequency). This sequence change replaces histidine, which is basic and polar, with asparagine, which is neutral and polar, at codon 184 of the CASK protein (p.His184Asn).

NM_001367721.1(CASK):c.550C>A (p.His184Asn)

Gene: CASK (calcium/calmodulin dependent serine protein kinase; minus strand). Cytogenetic location: Xp11.4.
Variant type: single nucleotide variant.
Coding change: c.550C>A on transcript NM_001367721.1 (MANE Select); coding-DNA position 550, C replaced by A.
Protein change: p.His184Asn; replaces histidine 184 with asparagine.
Molecular consequence: missense variant.
Genome position (GRCh38, 1-based): chrX:41,665,435, G>T on the plus strand (C>A on the coding strand, the complement: CASK is on the minus strand). VCF-style: chrX-41665435-G-T. GRCh37 (hg19) VCF-style: chrX-41524688-G-T.
Other names: c.550C>A, p.His184Asn (NM_001126054.3, NM_001126055.3, NM_001410745.1 and 1 more transcripts); short protein forms H184N.
Identifiers: ClinVar variation 1060095 (VCV001060095.9), dbSNP rs2147479461, ClinGen allele CA412998484.